The following is an entry in ClinVar:

NM_006005.3(WFS1):c.2610C>G (p.Thr870=)

Gene: WFS1 (wolframin ER transmembrane glycoprotein; plus strand). Cytogenetic location: 4p16.1.
Variant type: single nucleotide variant.
Coding change: c.2610C>G on transcript NM_006005.3 (MANE Select); coding-DNA position 2610, C replaced by G.
Protein change: p.Thr870=; no amino-acid change (threonine 870 retained).
Molecular consequence: synonymous variant.
Genome position (GRCh38, 1-based): chr4:6,302,405, C>G. VCF-style: chr4-6302405-C-G. GRCh37 (hg19) VCF-style: chr4-6304132-C-G.
Other names: c.2610C>G, p.Thr870= (NM_001145853.1).
Identifiers: ClinVar variation 1089473 (VCV001089473.11), dbSNP rs727503754, ClinGen allele CA438211561.

ClinVar aggregate classification (germline): Likely benign. Review status: criteria provided, multiple submitters, no conflicts (2 of 4 stars). 3 submissions from 3 submitters: Likely benign (3). Last evaluated 2025-08-03.

Conditions:
WFS1-related disorder. Identifiers: MedGen CN379391, MONDO:0700293.

Submissions (3):

PreventionGenetics, part of Exact Sciences
Classification: Likely benign for WFS1-related condition. Last evaluated: 2025-08-03. Review status: criteria provided, single submitter. Criteria: ACMG Guidelines, 2015. Collection method: clinical testing. Allele origin: germline.
Comment: This variant is classified as likely benign based on ACMG/AMP sequence variant interpretation guidelines (Richards et al. 2015 PMID: 25741868, with internal and published modifications).

Blueprint Genetics
Classification: Likely benign. Last evaluated: 2022-11-16. Review status: criteria provided, single submitter. Criteria: ACMG Guidelines, 2015. Collection method: clinical testing. Allele origin: germline.

Labcorp Genetics (formerly Invitae), Labcorp
Classification: Likely benign. Last evaluated: 2022-10-14. Review status: criteria provided, single submitter. Criteria: Invitae Variant Classification Sherloc (09022015). Collection method: clinical testing. Allele origin: germline.